The following is an entry in ClinVar:

NM_017763.6(RNF43):c.576G>C (p.Pro192=)

Gene: RNF43 (ring finger protein 43; minus strand). Cytogenetic location: 17q22.
Variant type: single nucleotide variant.
Coding change: c.576G>C on transcript NM_017763.6 (MANE Select); coding-DNA position 576, G replaced by C.
Protein change: p.Pro192=; no amino-acid change (proline 192 retained).
Molecular consequence: synonymous variant.
Genome position (GRCh38, 1-based): chr17:58,363,281, C>G on the plus strand (G>C on the coding strand, the complement: RNF43 is on the minus strand). VCF-style: chr17-58363281-C-G. GRCh37 (hg19) VCF-style: chr17-56440642-C-G.
Other names: c.576G>C, p.Pro192= (NM_001305544.3); c.195G>C, p.Pro65= (NM_001305545.2).
Identifiers: ClinVar variation 1128926 (VCV001128926.27), dbSNP rs76384648, ClinGen allele CA8673385.

ClinVar aggregate classification (germline): Benign/Likely benign. Review status: criteria provided, multiple submitters, no conflicts (2 of 4 stars). 4 submissions from 4 submitters: Benign (1); Likely benign (3). Last evaluated 2026-09-01.

Conditions:
Sessile serrated polyposis cancer syndrome (SSPCS). Identifiers: Orphanet 157798, MedGen C4310714, MONDO:0014919, OMIM 617108.

gnomAD v4.1: 44 of 1,613,516 alleles (0.0027%); highest among the groups gnomAD compares: Non-Finnish European, 0.0033%; no homozygotes.

Submissions (4):

CeGaT Center for Human Genetics Tuebingen
Classification: Likely benign. Last evaluated: 2026-09-01. Review status: criteria provided, single submitter. Criteria: CeGaT Center For Human Genetics Tuebingen Variant Classification Criteria Version 2. Collection method: clinical testing. Allele origin: germline. Affected: yes. Observed: 2 variant alleles.
Comment: RNF43: BP4, BP7

Myriad Genetics, Inc.
Classification: Benign for Sessile serrated polyposis cancer syndrome. Last evaluated: 2026-06-30. Review status: criteria provided, single submitter. Criteria: Myriad Autosomal Dominant, Autosomal Recessive and X-Linked Classification Criteria (2023). Collection method: clinical testing. Allele origin: unknown.
Comment: This variant is considered benign. This variant is a silent/synonymous amino acid change and it is not expected to impact splicing.

Labcorp Genetics (formerly Invitae), Labcorp
Classification: Likely benign. Last evaluated: 2025-12-10. Review status: criteria provided, single submitter. Criteria: Invitae Variant Classification Sherloc (09022015). Collection method: clinical testing. Allele origin: germline.

Center for Genomic Medicine, Rigshospitalet, Copenhagen University Hospital
Classification: Likely benign. Last evaluated: 2025-03-04. Review status: criteria provided, single submitter. Criteria: ACMG Guidelines, 2015. Collection method: clinical testing. Allele origin: germline.